The following is an entry in ClinVar:

NM_133433.4(NIPBL):c.6059T>C (p.Met2020Thr)

Gene: NIPBL (NIPBL cohesin loading factor; plus strand). Cytogenetic location: 5p13.2.
Variant type: single nucleotide variant.
Coding change: c.6059T>C on transcript NM_133433.4 (MANE Select); coding-DNA position 6059, T replaced by C.
Protein change: p.Met2020Thr; replaces methionine 2020 with threonine.
Molecular consequence: missense variant.
Genome position (GRCh38, 1-based): chr5:37,038,689, T>C. VCF-style: chr5-37038689-T-C. GRCh37 (hg19) VCF-style: chr5-37038791-T-C.
Other names: c.6059T>C, p.Met2020Thr (NM_001438586.1, NM_015384.5); short protein forms M2020T.
Identifiers: ClinVar variation 5037195 (VCV005037195.1).

ClinVar aggregate classification (germline): Uncertain significance (1 of 4 stars; one submission).

Submission:

GeneDx
Classification: Uncertain significance. Last evaluated: 2026-04-14. Review status: criteria provided, single submitter. Criteria: GeneDx Variant Classification Process June 2021. Collection method: clinical testing. Allele origin: germline.
Comment: Not observed at significant frequency in large population cohorts (gnomAD); In silico analysis supports that this missense variant has a deleterious effect on protein structure/function; Has not been previously published as pathogenic or benign to our knowledge